The following is an entry in ClinVar:

ClinVar aggregate classification (germline): Uncertain significance (1 of 4 stars; one submission).

Submission:

GeneDx
Classification: Uncertain significance. Last evaluated: 2026-09-15. Review status: criteria provided, single submitter. Criteria: GeneDx Variant Classification Process June 2021. Collection method: clinical testing. Allele origin: germline.
Comment: Has not been previously published as pathogenic or benign to our knowledge; Not observed in large population cohorts (gnomAD); In silico analysis suggests that this missense variant does not alter protein structure/function

NM_004387.4(NKX2-5):c.854C>T (p.Thr285Ile)

Gene: NKX2-5 (NK2 homeobox 5; minus strand). Cytogenetic location: 5q35.1.
Variant type: single nucleotide variant.
Coding change: c.854C>T on transcript NM_004387.4 (MANE Select); coding-DNA position 854, C replaced by T.
Protein change: p.Thr285Ile; replaces threonine 285 with isoleucine.
Molecular consequence: missense variant. On other transcripts: 3 prime UTR variant (2).
Genome position (GRCh38, 1-based): chr5:173,232,690, G>A on the plus strand (C>T on the coding strand, the complement: NKX2-5 is on the minus strand). VCF-style: chr5-173232690-G-A. GRCh37 (hg19) VCF-style: chr5-172659693-G-A.
Other names: c.*807C>T (NM_001166175.2); c.*653C>T (NM_001166176.2); short protein forms T285I.
Identifiers: ClinVar variation 1315147 (VCV001315147.3), dbSNP rs2113900817, ClinGen allele CA362161036.